The following is an entry in ClinVar:

NM_001849.4(COL6A2):c.2607C>A (p.Asp869Glu)

Gene: COL6A2 (collagen type VI alpha 2 chain; plus strand). Cytogenetic location: 21q22.3.
Variant type: single nucleotide variant.
Coding change: c.2607C>A on transcript NM_001849.4 (MANE Select); coding-DNA position 2607, C replaced by A.
Protein change: p.Asp869Glu; replaces aspartic acid 869 with glutamic acid.
Molecular consequence: missense variant.
Genome position (GRCh38, 1-based): chr21:46,132,099, C>A. VCF-style: chr21-46132099-C-A. GRCh37 (hg19) VCF-style: chr21-47552013-C-A.
Other names: short protein forms D869E.
Identifiers: ClinVar variation 3364818 (VCV003364818.2).

ClinVar aggregate classification (germline): Uncertain significance. Review status: criteria provided, multiple submitters, no conflicts (2 of 4 stars). 2 submissions from 2 submitters: Uncertain significance (2). Last evaluated 2025-08-27.

Conditions:
Inborn genetic diseases. Identifiers: MedGen C0950123, MeSH D030342.

gnomAD v4.1: 1 of 1,594,292 alleles (0.000063%); highest among the groups gnomAD compares: Non-Finnish European, 0.000085%; no homozygotes.

Submissions (2):

Ambry Genetics
Classification: Uncertain significance for Inborn genetic diseases. Last evaluated: 2025-08-27. Review status: criteria provided, single submitter. Criteria: Ambry Variant Classification Scheme 2023. Collection method: clinical testing. Allele origin: germline.

GeneDx
Classification: Uncertain significance. Last evaluated: 2023-11-30. Review status: criteria provided, single submitter. Criteria: GeneDx Variant Classification Process June 2021. Collection method: clinical testing. Allele origin: germline. Affected: yes.
Comment: Not observed at significant frequency in large population cohorts (gnomAD); In silico analysis supports that this missense variant does not alter protein structure/function; Has not been previously published as pathogenic or benign to our knowledge